The following is an entry in ClinVar:

NM_000245.4(MET):c.2822T>G (p.Ile941Arg)

Gene: MET (MET proto-oncogene, receptor tyrosine kinase; plus strand). Cytogenetic location: 7q31.2.
Variant type: single nucleotide variant.
Coding change: c.2822T>G on transcript NM_000245.4 (MANE Select); coding-DNA position 2822, T replaced by G.
Protein change: p.Ile941Arg; replaces isoleucine 941 with arginine.
Molecular consequence: missense variant.
Genome position (GRCh38, 1-based): chr7:116,771,589, T>G. VCF-style: chr7-116771589-T-G. GRCh37 (hg19) VCF-style: chr7-116411643-T-G.
Other names: c.2876T>G, p.Ile959Arg (NM_001127500.3); c.1532T>G, p.Ile511Arg (NM_001324402.2); short protein forms I941R, I959R, I511R.
Identifiers: ClinVar variation 2135327 (VCV002135327.4), dbSNP rs2116992483, ClinGen allele CA368986587.
Genomic context (GRCh38, chr7:116,771,589, plus strand): 5'-GAAAAGTAATAGTTCAACCAGATCAGAATTTCACAGGATTGATTGCTGGTGTTGTCTCAA[T>G]ATCAACAGCACTGTTATTACTACTTGGGTTTTTCCTGTGGCTGAAAAAGAGAAAGCAAAT-3'
Protein context (NP_000236.2, residues 931-951): FTGLIAGVVS[Ile941Arg]STALLLLLGF

ClinVar aggregate classification (germline): Uncertain significance (1 of 4 stars; one submission).

Conditions:
Renal cell carcinoma. Identifiers: Orphanet 217071, MedGen C0007134, MeSH D002292, MONDO:0005086, HP:0005584.

Submission:

Labcorp Genetics (formerly Invitae), Labcorp
Classification: Uncertain significance for Renal cell carcinoma. Last evaluated: 2022-05-11. Review status: criteria provided, single submitter. Criteria: Invitae Variant Classification Sherloc (09022015). Collection method: clinical testing. Allele origin: germline.
Comment: This variant is not present in population databases (gnomAD no frequency). In summary, the available evidence is currently insufficient to determine the role of this variant in disease. Therefore, it has been classified as a Variant of Uncertain Significance. Algorithms developed to predict the effect of missense changes on protein structure and function are either unavailable or do not agree on the potential impact of this missense change (SIFT: "Deleterious"; PolyPhen-2: "Possibly Damaging"; Align-GVGD: "Class C0"). This variant has not been reported in the literature in individuals affected with MET-related conditions. This sequence change replaces isoleucine, which is neutral and non-polar, with arginine, which is basic and polar, at codon 959 of the MET protein (p.Ile959Arg).